The following continues an entry in ClinVar:

NM_007194.4(CHEK2):c.1555C>T (p.Arg519Ter)

Gene: CHEK2. ClinVar aggregate classification (germline): Pathogenic/Likely pathogenic. Pathogenic (8); Likely pathogenic (11).

Submissions 9 to 24 of 24:

Baylor Genetics
Classification: Pathogenic for Familial cancer of breast. Last evaluated: 2024-03-27. Review status: criteria provided, single submitter. Criteria: ACMG Guidelines, 2015. Collection method: clinical testing. Allele origin: unknown.

Quest Diagnostics Nichols Institute San Juan Capistrano
Classification: Likely pathogenic. Last evaluated: 2024-03-21. Review status: criteria provided, single submitter. Criteria: Quest Diagnostics criteria. Collection method: clinical testing. Allele origin: unknown.
Comment: The CHEK2 c.1555C>T (p.Arg519*) variant is not predicted to cause nonsense-mediated decay, however it may negatively impact protein function due to the partial loss of the nuclear localization signal that is located within the truncated 25 amino acids (PMID: 24879340 (2014), 22419737 (2012), 12909615 (2003)). In the published literature, the variant has been reported in individuals with breast cancer (PMID: 32805687 (2020), 32761968 (2020), 30287823 (2018), 25503501 (2015), 25318351 (2014)), ovarian cancer (PMID: 29020732 (2018), prostate cancer (PMID: 29520813 (2018)), and colorectal cancer (PMID: 26681312 (2015)). Experimental studies showed inconclusive results regarding the variant’s impact on protein function (PMID: 34903604 (2021)). The frequency of this variant in the general population, 0.000099 (1/10138 chromosomes (Genome Aggregation Database)), is uninformative in the assessment of its pathogenicity. Based on the available information, this variant is classified as likely pathogenic.

Breast Care Center, Daerim St. Mary`s Hospital
Classification: Likely pathogenic for Hereditary cancer-predisposing syndrome. Last evaluated: 2023-07-25. Review status: criteria provided, single submitter. Criteria: ACMG Guidelines, 2015. Collection method: clinical testing. Allele origin: germline. Inheritance: Autosomal dominant inheritance. Affected: yes. Observed: 1 heterozygote.
Comment: The CHEK2:c.1555C>T (p.Arg519*) variant was located in the last coding exon 15 of the CHEK2 gene, which predicts a truncation to lead to a nonsense codon, resulting in a null variant. This type of variant is a known mechanism of disease. It was rarely reported in the gnomAD population database.

Department of Pathology and Laboratory Medicine, Sinai Health System
Classification: Pathogenic for CHEK2-related cancer predisposition. Last evaluated: 2023-03-16. Review status: criteria provided, single submitter. Criteria: ACMG Guidelines, 2015. Collection method: clinical testing. Allele origin: germline. Affected: yes.

Myriad Genetics, Inc.
Classification: Pathogenic for Familial cancer of breast. Last evaluated: 2023-03-09. Review status: criteria provided, single submitter. Criteria: Myriad Autosomal Dominant, Autosomal Recessive and X-Linked Classification Criteria (2023). Collection method: clinical testing. Allele origin: unknown.
Comment: This variant is considered pathogenic. This variant creates a termination codon and is predicted to result in premature protein truncation.

Sema4
Classification: Pathogenic for Hereditary cancer-predisposing syndrome. Last evaluated: 2021-06-07. Review status: criteria provided, single submitter. Criteria: Sema4 Curation Guidelines. Collection method: curation. Allele origin: germline.
Comment: The CHEK2 c.1555C>T (p.R519X) variant has been reported in heterozygosity in multiple individuals with breast, uterine, prostate, and colorectal cancer (PMID: 30680046, 29020732, 25503501, 27751358, 29520813). This nonsense variant creates a premature stop codon at residue 519 of the CHEK2 protein. As this variant is not predicted to cause nonsense-mediated decay, the protein product is expected to be truncated. This variant was observed in 1/10138 chromosomes in the Ashkenazi Jewish population, according to the Genome Aggregation Database (PMID: 32461654). This variant has been reported in ClinVar (Variation ID: 128065). Based on the current evidence available, this variant is interpreted as pathogenic.

Institute of Human Genetics, University of Leipzig Medical Center
Classification: Likely pathogenic for Familial cancer of breast. Last evaluated: 2021-03-24. Review status: criteria provided, single submitter. Criteria: ACMG Guidelines, 2015. Collection method: clinical testing. Allele origin: unknown. Affected: yes.

Women's Health and Genetics/Laboratory Corporation of America, LabCorp
Classification: Pathogenic for Hereditary breast and ovarian cancer syndrome. Last evaluated: 2020-11-19. Review status: criteria provided, single submitter. Criteria: LabCorp Variant Classification Summary - May 2015. Collection method: clinical testing. Allele origin: germline.
Comment: Variant summary: CHEK2 c.1555C>T (p.Arg519X) results in a premature termination codon, predicted to cause a truncation of the encoded protein or absence of the protein due to nonsense mediated decay, which are commonly known mechanisms for disease. The variant allele was found at a frequency of 4.3e-06 in 232840 control chromosomes (gnomAD). c.1555C>T has been reported in the literature in multiple individuals affected with colon cancer, prostate cancer, breast cancer and/or ovarian cancer (Yorczyk_2014, Maxwell_2014, Susswein_2015, Velho_2019, Ryu_2020). These data indicate that the variant is very likely to be associated with disease. To our knowledge, no experimental evidence demonstrating an impact on protein function has been reported. Six ClinVar submitters (evaluation after 2014) cite the variant as pathogenic (1x) and likely pathogenic (5x). Based on the evidence outlined above, the variant was classified as pathogenic.

CHEO Genetics Diagnostic Laboratory, Children's Hospital of Eastern Ontario
Classification: Likely pathogenic for Breast and/or ovarian cancer. Last evaluated: 2020-09-17. Review status: criteria provided, single submitter. Criteria: ACMG Guidelines, 2015. Collection method: clinical testing. Allele origin: germline.

University of Washington Department of Laboratory Medicine, University of Washington
Classification: Likely pathogenic for Breast and colorectal cancer, susceptibility to. Last evaluated: 2017-07-11. Review status: criteria provided, single submitter. Criteria: Shirts BH et al. (Genet Med 2016). Collection method: clinical testing. Allele origin: germline. Inheritance: Autosomal dominant inheritance. Affected: no.

Juno Genomics, Hangzhou Juno Genomics, Inc
Classification: Likely pathogenic for Bone osteosarcoma; Familial prostate cancer; CHEK2-related cancer predisposition. Review status: criteria provided, single submitter. Criteria: ACMG Guidelines, 2015. Collection method: clinical testing. Allele origin: germline.
Comment: Absent from controls (or at extremely low frequency if recessive) in Genome Aggregation Database.;Null variant in a gene where loss of function (LOF) is a known mechanism of disease.;The prevalence of the variant in affected individuals is significantly increased compared to the prevalence in controls.

BRCAlab, Lund University
Classification: Pathogenic for Familial cancer of breast. Last evaluated: 2022-08-26. Review status: no assertion criteria provided. Collection method: clinical testing. Allele origin: germline. Affected: yes. Not counted in ClinVar's aggregate classification.

Laboratory for Genotyping Development, RIKEN
Classification: Pathogenic for Gastric cancer. Last evaluated: 2021-07-01. Review status: no assertion criteria provided. Collection method: research. Allele origin: germline. Not counted in ClinVar's aggregate classification.

Counsyl
Classification: Likely pathogenic for Familial cancer of breast. Last evaluated: 2018-03-06. Review status: no assertion criteria provided. Collection method: clinical testing. Allele origin: unknown. Not counted in ClinVar's aggregate classification.

Genome Diagnostics Laboratory, University Medical Center Utrecht
Classification: Pathogenic. Review status: no assertion criteria provided. Collection method: clinical testing. Allele origin: germline. Affected: yes. Study: VKGL Data-share Consensus. Not counted in ClinVar's aggregate classification.

Joint Genome Diagnostic Labs from Nijmegen and Maastricht, Radboudumc and MUMC+
Classification: Pathogenic. Review status: no assertion criteria provided. Collection method: clinical testing. Allele origin: germline. Affected: yes. Study: VKGL Data-share Consensus. Not counted in ClinVar's aggregate classification.

Literature cited by the submitters: PubMed 25186627 (cited by Labcorp Genetics (formerly Invitae), Labcorp and Quest Diagnostics Nichols Institute San Juan Capistrano); PubMed 25503501 (cited by 8 submitters); PubMed 27751358 (cited by 6 submitters); PubMed 29020732 (cited by 6 submitters); PubMed 29520813 (cited by 5 submitters); PubMed 30287823 (cited by 3 submitters); PubMed 30680046 (cited by 6 submitters); PubMed 32761968 (cited by 5 submitters); PubMed 34903604 (cited by 4 submitters); PubMed 18004398 (cited by Labcorp Genetics (formerly Invitae), Labcorp and Quest Diagnostics Nichols Institute San Juan Capistrano); PubMed 12909615 (cited by 6 submitters); PubMed 24879340 (cited by 4 submitters); PubMed 25318351 (cited by 6 submitters); PubMed 15361853 (cited by Institute for Genomic Medicine (IGM) Clinical Laboratory, Nationwide Children's Hospital); PubMed 26681312 (cited by 4 submitters); PubMed 16798742 (cited by Color Diagnostics, LLC DBA Color Health); PubMed 36988593 (cited by Quest Diagnostics Nichols Institute San Juan Capistrano and Laboratory for Genotyping Development, RIKEN); PubMed 31650100 (cited by Quest Diagnostics Nichols Institute San Juan Capistrano and Women's Health and Genetics/Laboratory Corporation of America, LabCorp); PubMed 35643632 (cited by Quest Diagnostics Nichols Institute San Juan Capistrano); PubMed 35273153 (cited by Quest Diagnostics Nichols Institute San Juan Capistrano); PubMed 35118230 (cited by Quest Diagnostics Nichols Institute San Juan Capistrano); PubMed 22419737 (cited by Quest Diagnostics Nichols Institute San Juan Capistrano); PubMed 36243179 (cited by Quest Diagnostics Nichols Institute San Juan Capistrano); PubMed 32980694 (cited by Quest Diagnostics Nichols Institute San Juan Capistrano); PubMed 32805687 (cited by Quest Diagnostics Nichols Institute San Juan Capistrano).